The following is an entry in ClinVar:

ClinVar aggregate classification (germline): Uncertain significance (1 of 4 stars; one submission).

Conditions:
Primary ciliary dyskinesia. Also called: Ciliary dyskinesia. Identifiers: Orphanet 244, MedGen C0008780, MONDO:0016575, HP:0012265.

Submission:

Labcorp Genetics (formerly Invitae), Labcorp
Classification: Uncertain significance for Primary ciliary dyskinesia. Last evaluated: 2025-07-09. Review status: criteria provided, single submitter. Criteria: Invitae Variant Classification Sherloc (09022015). Collection method: clinical testing. Allele origin: germline.
Comment: This sequence change replaces isoleucine, which is neutral and non-polar, with arginine, which is basic and polar, at codon 347 of the DRC1 protein (p.Ile347Arg). This variant is not present in population databases (gnomAD no frequency). This variant has not been reported in the literature in individuals affected with DRC1-related conditions. An algorithm developed to predict the effect of missense changes on protein structure and function (PolyPhen-2) suggests that this variant is likely to be tolerated. In summary, the available evidence is currently insufficient to determine the role of this variant in disease. Therefore, it has been classified as a Variant of Uncertain Significance.

NM_145038.5(DRC1):c.1040T>G (p.Ile347Arg)

Gene: DRC1 (dynein regulatory complex subunit 1; plus strand). Cytogenetic location: 2p23.3.
Variant type: single nucleotide variant.
Coding change: c.1040T>G on transcript NM_145038.5 (MANE Select); coding-DNA position 1040, T replaced by G.
Protein change: p.Ile347Arg; replaces isoleucine 347 with arginine.
Molecular consequence: missense variant.
Genome position (GRCh38, 1-based): chr2:26,444,233, T>G. VCF-style: chr2-26444233-T-G. GRCh37 (hg19) VCF-style: chr2-26667101-T-G.
Other names: short protein forms I347R.
Identifiers: ClinVar variation 4705610 (VCV004705610.1).